The following is an entry in ClinVar:

NM_033380.3(COL4A5):c.1603C>T (p.Pro535Ser)

Gene: COL4A5 (collagen type IV alpha 5 chain; plus strand). Cytogenetic location: Xq22.3.
Variant type: single nucleotide variant.
Coding change: c.1603C>T on transcript NM_033380.3 (MANE Select); coding-DNA position 1603, C replaced by T.
Protein change: p.Pro535Ser; replaces proline 535 with serine.
Molecular consequence: missense variant.
Genome position (GRCh38, 1-based): chrX:108,597,392, C>T. VCF-style: chrX-108597392-C-T. GRCh37 (hg19) VCF-style: chrX-107840622-C-T.
Other names: c.1603C>T, p.Pro535Ser (NM_000495.5); short protein forms P535S.
Identifiers: ClinVar variation 1299624 (VCV001299624.1), dbSNP rs2147809975, ClinGen allele CA413845229.

ClinVar aggregate classification (germline): Uncertain significance (1 of 4 stars; one submission).

Conditions:
X-linked Alport syndrome (ATS1). Also called: NEPHROPATHY AND DEAFNESS, X-LINKED; COL4A5-Related Nephropathy. Identifiers: Orphanet 63, Orphanet 88917, MedGen C4746986, MONDO:0010520, OMIM 301050.

Submission:

Laboratory of Medical Genetics, National & Kapodistrian University of Athens
Classification: Uncertain significance for X-linked Alport syndrome. Last evaluated: 2021-10-06. Review status: criteria provided, single submitter. Criteria: ACMG Guidelines, 2015. Collection method: clinical testing. Allele origin: paternal.
Comment: PM2, PP2, PP3